The following is an entry in ClinVar:

ClinVar aggregate classification (germline): Uncertain significance (1 of 4 stars; one submission).

Conditions:
Familial adenomatous polyposis 1 (FAP1). Also called: FAMILIAL ADENOMATOUS POLYPOSIS 1, ATTENUATED; POLYPOSIS, ADENOMATOUS INTESTINAL. Identifiers: MedGen C2713442, MONDO:0021056, OMIM 175100. Disease mechanism: loss of function.

Submission:

Labcorp Genetics (formerly Invitae), Labcorp
Classification: Uncertain significance for Familial adenomatous polyposis 1. Last evaluated: 2022-02-23. Review status: criteria provided, single submitter. Criteria: Invitae Variant Classification Sherloc (09022015). Collection method: clinical testing. Allele origin: germline.
Comment: In summary, the available evidence is currently insufficient to determine the role of this variant in disease. Therefore, it has been classified as a Variant of Uncertain Significance. Algorithms developed to predict the effect of missense changes on protein structure and function are either unavailable or do not agree on the potential impact of this missense change (SIFT: "Deleterious"; PolyPhen-2: "Probably Damaging"; Align-GVGD: "Class C0"). This variant has not been reported in the literature in individuals affected with APC-related conditions. This variant is not present in population databases (gnomAD no frequency). This sequence change replaces proline, which is neutral and non-polar, with threonine, which is neutral and polar, at codon 1442 of the APC protein (p.Pro1442Thr).

NM_000038.6(APC):c.4324C>A (p.Pro1442Thr)

Gene: APC (APC regulator of Wnt signaling pathway; plus strand). Cytogenetic location: 5q22.2.
Variant type: single nucleotide variant.
Coding change: c.4324C>A on transcript NM_000038.6 (MANE Select); coding-DNA position 4324, C replaced by A.
Protein change: p.Pro1442Thr; replaces proline 1442 with threonine.
Molecular consequence: missense variant.
Genome position (GRCh38, 1-based): chr5:112,839,918, C>A. VCF-style: chr5-112839918-C-A. GRCh37 (hg19) VCF-style: chr5-112175615-C-A.
Other names: c.4324C>A, p.Pro1442Thr (NM_001127510.3, NM_001354895.2, NM_001407450.1); c.4270C>A, p.Pro1424Thr (NM_001127511.3); c.4378C>A, p.Pro1460Thr (NM_001354896.2, NM_001407447.1, NM_001407448.1 and 1 more transcripts); c.4354C>A, p.Pro1452Thr (NM_001354897.2); c.4249C>A, p.Pro1417Thr (NM_001354898.2); c.4240C>A, p.Pro1414Thr (NM_001354899.2); c.4201C>A, p.Pro1401Thr (NM_001354900.2); c.4147C>A, p.Pro1383Thr (NM_001354901.2, NM_001407453.1); and 11 more; short protein forms P1282T, P1351T, P1359T, P1417T, P1442T, P1414T, P1452T, P1058T.
Identifiers: ClinVar variation 2102331 (VCV002102331.4), dbSNP rs1031995966, ClinGen allele CA16030807.